The following is an entry in ClinVar:

NM_000264.5(PTCH1):c.2033C>T (p.Thr678Ile)

Genes: PTCH1 (patched 1; minus strand), LOC100507346 (uncharacterized LOC100507346; plus strand). Cytogenetic location: 9q22.32.
Variant type: single nucleotide variant.
Coding change: c.2033C>T on transcript NM_000264.5 (MANE Select); coding-DNA position 2033, C replaced by T.
Protein change: p.Thr678Ile; replaces threonine 678 with isoleucine.
Molecular consequence: missense variant. On other transcripts: non-coding transcript variant (2).
Genome position (GRCh38, 1-based): chr9:95,468,968, G>A on the plus strand (C>T on the coding strand, the complement: PTCH1 is on the minus strand). VCF-style: chr9-95468968-G-A. GRCh37 (hg19) VCF-style: chr9-98231250-G-A.
Other names: c.1835C>T, p.Thr612Ile (NM_001083602.3); c.2030C>T, p.Thr677Ile (NM_001083603.3); c.1580C>T, p.Thr527Ile (NM_001083604.3, NM_001083605.3, NM_001083606.3 and 1 more transcripts); c.1877C>T, p.Thr626Ile (NM_001354918.2); short protein forms T612I, T626I, T678I, T527I, T677I.
Identifiers: ClinVar variation 3784593 (VCV003784593.1).

ClinVar aggregate classification (germline): Uncertain significance (1 of 4 stars; one submission).

Conditions:
Hereditary cancer-predisposing syndrome. Also called: Neoplastic Syndromes, Hereditary; Hereditary Cancer Syndrome; Tumor predisposition; Hereditary neoplastic syndrome. Identifiers: Orphanet 140162, MedGen C0027672, MeSH D009386, MONDO:0015356.

Submission:

Ambry Genetics
Classification: Uncertain significance for Hereditary cancer-predisposing syndrome. Last evaluated: 2025-01-23. Review status: criteria provided, single submitter. Criteria: Ambry Variant Classification Scheme 2023. Collection method: clinical testing. Allele origin: germline.
Comment: The p.T678I variant (also known as c.2033C>T), located in coding exon 14 of the PTCH1 gene, results from a C to T substitution at nucleotide position 2033. The threonine at codon 678 is replaced by isoleucine, an amino acid with similar properties. This amino acid position is highly conserved in available vertebrate species. In addition, this alteration is predicted to be deleterious by in silico analysis. Based on the available evidence, the clinical significance of this variant remains unclear.